The following is an entry in ClinVar:

ClinVar aggregate classification (germline): Likely benign. Review status: criteria provided, multiple submitters, no conflicts (2 of 4 stars). 2 submissions from 2 submitters: Likely benign (2). Last evaluated 2018-06-14.

Allele frequency attached by ClinVar (database versions not stated): gnomAD 0.00525 and 0.00556; 1000 Genomes Project 0.00599; TOPMed 0.00629; 1000 Genomes Project 30x 0.00656.
gnomAD v4.1: 1,530 of 1,518,936 alleles (0.1%); highest among the groups gnomAD compares: African/African-American, 1.9%; 11 homozygotes.

Submissions (2):

GeneDx
Classification: Likely benign. Last evaluated: 2018-06-14. Review status: criteria provided, single submitter. Criteria: GeneDx Variant Classification (06012015). Collection method: clinical testing. Allele origin: germline. Affected: yes.
Comment: This variant is considered likely benign or benign based on one or more of the following criteria: it is a conservative change, it occurs at a poorly conserved position in the protein, it is predicted to be benign by multiple in silico algorithms, and/or has population frequency not consistent with disease.

Breakthrough Genomics
Classification: Likely benign. Review status: criteria provided, single submitter. Criteria: ACMG Guidelines, 2015. Collection method: not provided. Allele origin: germline. Inheritance: Autosomal dominant inheritance. Affected: yes.

NM_004519.4(KCNQ3):c.386+62G>T

Gene: KCNQ3 (potassium voltage-gated channel subfamily Q member 3; minus strand). Cytogenetic location: 8q24.22.
Variant type: single nucleotide variant.
Coding change: c.386+62G>T on transcript NM_004519.4 (MANE Select); 62 bases into the intron after coding-DNA position 386, G replaced by T.
Molecular consequence: intron variant.
Genome position (GRCh38, 1-based): chr8:132,480,085, C>A on the plus strand (G>T on the coding strand, the complement: KCNQ3 is on the minus strand). VCF-style: chr8-132480085-C-A. GRCh37 (hg19) VCF-style: chr8-133492332-C-A.
Identifiers: ClinVar variation 675887 (VCV000675887.2), dbSNP rs141219307, ClinGen allele CA186258316.